The following is an entry in ClinVar:

ClinVar aggregate classification (germline): Uncertain significance (1 of 4 stars; one submission).

Conditions:
Ullrich congenital muscular dystrophy 2 (UCMD2). Identifiers: Orphanet 75840, MedGen C4225314, MONDO:0014654, OMIM 616470.
Bethlem myopathy 2 (BTHLM2). Identifiers: Orphanet 536516, Orphanet 610, MedGen C4225313, MONDO:0034022, OMIM 616471.

Submission:

Labcorp Genetics (formerly Invitae), Labcorp
Classification: Uncertain significance for Bethlem myopathy 2; Ullrich congenital muscular dystrophy 2. Last evaluated: 2025-11-03. Review status: criteria provided, single submitter. Criteria: Invitae Variant Classification Sherloc (09022015). Collection method: clinical testing. Allele origin: germline.
Comment: This sequence change replaces threonine, which is neutral and polar, with isoleucine, which is neutral and non-polar, at codon 1083 of the COL12A1 protein (p.Thr1083Ile). This variant is not present in population databases (gnomAD no frequency). This variant has not been reported in the literature in individuals affected with COL12A1-related conditions. An algorithm developed to predict the effect of missense changes on protein structure and function (PolyPhen-2) suggests that this variant is likely to be disruptive. In summary, the available evidence is currently insufficient to determine the role of this variant in disease. Therefore, it has been classified as a Variant of Uncertain Significance.

NM_004370.6(COL12A1):c.3248C>T (p.Thr1083Ile)

Gene: COL12A1 (collagen type XII alpha 1 chain; minus strand). Cytogenetic location: 6q13.
Variant type: single nucleotide variant.
Coding change: c.3248C>T on transcript NM_004370.6 (MANE Select); coding-DNA position 3248, C replaced by T.
Protein change: p.Thr1083Ile; replaces threonine 1083 with isoleucine.
Molecular consequence: missense variant. On other transcripts: intron variant (2).
Genome position (GRCh38, 1-based): chr6:75,156,259, G>A on the plus strand (C>T on the coding strand, the complement: COL12A1 is on the minus strand). VCF-style: chr6-75156259-G-A. GRCh37 (hg19) VCF-style: chr6-75865975-G-A.
Other names: c.74-3777C>T (NM_080645.3, NM_001424116.1); c.3248C>T, p.Thr1083Ile (NM_001424113.1, NM_001424114.1); c.2975C>T, p.Thr992Ile (NM_001424115.1); short protein forms T1083I, T992I.
Identifiers: ClinVar variation 4786600 (VCV004786600.1).